The following is an entry in ClinVar:

ClinVar aggregate classification (germline): Uncertain significance (1 of 4 stars; one submission).

Conditions:
Hepatic veno-occlusive disease-immunodeficiency syndrome. Also called: Hepatic Veno-Occlusive Disease with Immunodeficiency. Identifiers: Orphanet 79124, MedGen C1856128, MONDO:0009338, OMIM 235550. Disease mechanism: loss of function.

Allele frequency attached by ClinVar (database versions not stated): gnomAD 0.00002; gnomAD exomes 0.00002 and 0.00004; TOPMed 0.00003; ExAC 0.00004; ESP Exome Variant Server 0.00008.
gnomAD v4.1: 34 of 1,613,900 alleles (0.0021%); highest among the groups gnomAD compares: Non-Finnish European, 0.00025%; no homozygotes.

Submission:

Labcorp Genetics (formerly Invitae), Labcorp
Classification: Uncertain significance for Hepatic veno-occlusive disease-immunodeficiency syndrome. Last evaluated: 2021-09-02. Review status: criteria provided, single submitter. Criteria: Invitae Variant Classification Sherloc (09022015). Collection method: clinical testing. Allele origin: germline.
Comment: This sequence change replaces lysine with glutamic acid at codon 672 of the SP110 protein (p.Lys672Glu). The lysine residue is moderately conserved and there is a small physicochemical difference between lysine and glutamic acid. This variant is present in population databases (rs370130521, ExAC 0.007%). This variant has not been reported in the literature in individuals affected with SP110-related conditions. Algorithms developed to predict the effect of missense changes on protein structure and function are either unavailable or do not agree on the potential impact of this missense change (SIFT: "Deleterious"; PolyPhen-2: "Possibly Damaging"; Align-GVGD: "Class C0"). In summary, the available evidence is currently insufficient to determine the role of this variant in disease. Therefore, it has been classified as a Variant of Uncertain Significance.

NM_080424.4(SP110):c.2086A>G (p.Lys696Glu)

Gene: SP110 (SP110 nuclear body protein; minus strand). Cytogenetic location: 2q37.1.
Variant type: single nucleotide variant.
Coding change: c.2086A>G on transcript NM_080424.4 (MANE Select); coding-DNA position 2086, A replaced by G.
Protein change: p.Lys696Glu; replaces lysine 696 with glutamic acid.
Molecular consequence: missense variant.
Genome position (GRCh38, 1-based): chr2:230,169,180, T>C on the plus strand (A>G on the coding strand, the complement: SP110 is on the minus strand). VCF-style: chr2-230169180-T-C. GRCh37 (hg19) VCF-style: chr2-231033896-T-C.
Other names: c.2182A>G, p.Lys728Glu (NM_001378442.1); c.2164A>G, p.Lys722Glu (NM_001378443.1); c.2104A>G, p.Lys702Glu (NM_001378444.1); c.2032A>G, p.Lys678Glu (NM_001378445.1); c.1891A>G, p.Lys631Glu (NM_001378446.1); c.2014A>G, p.Lys672Glu (NM_004509.5); short protein forms K696E, K672E, K631E, K678E, K702E, K722E, K728E.
Identifiers: ClinVar variation 652037 (VCV000652037.7), dbSNP rs370130521, ClinGen allele CA2154244.